The following is an entry in ClinVar:

ClinVar aggregate classification (germline): Conflicting classifications of pathogenicity. Review status: criteria provided, conflicting classifications (1 of 4 stars). 5 submissions from 5 submitters: Uncertain significance (1); Likely benign (3). 1 of the submissions does not count toward it. Last evaluated 2025-03-15.

Conditions:
Cardiovascular phenotype. Identifiers: MedGen CN230736.
ABCG8-related disorder. Also called: ABCG8-related condition.

Allele frequency attached by ClinVar (database versions not stated): ExAC 0.00001; gnomAD 0.00002 and 0.00003; gnomAD exomes 0.00002 and 0.00003; TOPMed 0.00003; ESP Exome Variant Server 0.00008.
gnomAD v4.1: 41 of 1,614,124 alleles (0.0025%); highest among the groups gnomAD compares: Admixed American, 0.0067%; no homozygotes.

Submissions (5):

Labcorp Genetics (formerly Invitae), Labcorp
Classification: Likely benign. Last evaluated: 2025-03-15. Review status: criteria provided, single submitter. Criteria: Invitae Variant Classification Sherloc (09022015). Collection method: clinical testing. Allele origin: germline.

Blueprint Genetics
Classification: Likely benign. Last evaluated: 2022-09-12. Review status: criteria provided, single submitter. Criteria: ACMG Guidelines, 2015. Collection method: clinical testing. Allele origin: germline.

Ambry Genetics
Classification: Likely benign for Cardiovascular phenotype. Last evaluated: 2020-01-26. Review status: criteria provided, single submitter. Criteria: Ambry Variant Classification Scheme 2023. Collection method: clinical testing. Allele origin: germline.

Eurofins Ntd Llc (ga)
Classification: Uncertain significance. Last evaluated: 2017-09-06. Review status: criteria provided, single submitter. Criteria: EGL Classification Definitions 2015. Collection method: clinical testing. Allele origin: germline. Observed: 1 variant allele, 1 heterozygote.

PreventionGenetics, part of Exact Sciences
Classification: Likely benign for ABCG8-related condition. Last evaluated: 2022-11-07. Review status: no assertion criteria provided. Collection method: clinical testing. Allele origin: germline. Not counted in ClinVar's aggregate classification.
Comment: This variant is classified as likely benign based on ACMG/AMP sequence variant interpretation guidelines (Richards et al. 2015 PMID: 25741868, with internal and published modifications).

NM_022437.3(ABCG8):c.1596C>T (p.Phe532=)

Gene: ABCG8 (ATP binding cassette subfamily G member 8; plus strand). Cytogenetic location: 2p21.
Variant type: single nucleotide variant.
Coding change: c.1596C>T on transcript NM_022437.3 (MANE Select); coding-DNA position 1596, C replaced by T.
Protein change: p.Phe532=; no amino-acid change (phenylalanine 532 retained).
Molecular consequence: synonymous variant.
Genome position (GRCh38, 1-based): chr2:43,875,253, C>T. VCF-style: chr2-43875253-C-T. GRCh37 (hg19) VCF-style: chr2-44102392-C-T.
Other names: c.1593C>T, p.Phe531= (NM_001357321.2).
Identifiers: ClinVar variation 593989 (VCV000593989.14), dbSNP rs374820261, ClinGen allele CA1637551.